The following is an entry in ClinVar:

ClinVar aggregate classification (germline): Uncertain significance (1 of 4 stars; one submission).

gnomAD v4.1: 12 of 1,614,196 alleles (0.00074%); highest among the groups gnomAD compares: Middle Eastern, 0.016%; no homozygotes.

Submission:

Labcorp Genetics (formerly Invitae), Labcorp
Classification: Uncertain significance. Last evaluated: 2025-02-25. Review status: criteria provided, single submitter. Criteria: Invitae Variant Classification Sherloc (09022015). Collection method: clinical testing. Allele origin: germline.
Comment: This sequence change replaces threonine, which is neutral and polar, with methionine, which is neutral and non-polar, at codon 1253 of the LCT protein (p.Thr1253Met). This variant is present in population databases (rs772613553, gnomAD 0.01%). This variant has not been reported in the literature in individuals affected with LCT-related conditions. Invitae Evidence Modeling of protein sequence and biophysical properties (such as structural, functional, and spatial information, amino acid conservation, physicochemical variation, residue mobility, and thermodynamic stability) indicates that this missense variant is not expected to disrupt LCT protein function with a negative predictive value of 80%. In summary, the available evidence is currently insufficient to determine the role of this variant in disease. Therefore, it has been classified as a Variant of Uncertain Significance.

NM_002299.4(LCT):c.3758C>T (p.Thr1253Met)

Gene: LCT (lactase; minus strand). Cytogenetic location: 2q21.3.
Variant type: single nucleotide variant.
Coding change: c.3758C>T on transcript NM_002299.4 (MANE Select); coding-DNA position 3758, C replaced by T.
Protein change: p.Thr1253Met; replaces threonine 1253 with methionine.
Molecular consequence: missense variant.
Genome position (GRCh38, 1-based): chr2:135,808,589, G>A on the plus strand (C>T on the coding strand, the complement: LCT is on the minus strand). VCF-style: chr2-135808589-G-A. GRCh37 (hg19) VCF-style: chr2-136566159-G-A.
Other names: short protein forms T1253M.
Identifiers: ClinVar variation 4695193 (VCV004695193.1).